The following is an entry in ClinVar:

NM_206937.2(LIG4):c.2618C>G (p.Ala873Gly)

Gene: LIG4 (DNA ligase 4; minus strand). Cytogenetic location: 13q33.3.
Variant type: single nucleotide variant.
Coding change: c.2618C>G on transcript NM_206937.2 (MANE Select); coding-DNA position 2618, C replaced by G.
Protein change: p.Ala873Gly; replaces alanine 873 with glycine.
Molecular consequence: missense variant.
Genome position (GRCh38, 1-based): chr13:108,208,651, G>C on the plus strand (C>G on the coding strand, the complement: LIG4 is on the minus strand). VCF-style: chr13-108208651-G-C. GRCh37 (hg19) VCF-style: chr13-108860999-G-C.
Other names: c.2618C>G, p.Ala873Gly (NM_001098268.2, NM_001352598.2, NM_001352599.2 and 6 more transcripts); c.2417C>G, p.Ala806Gly (NM_001330595.2); c.2654C>G, p.Ala885Gly (NM_001352604.2); short protein forms A806G, A873G, A885G.
Identifiers: ClinVar variation 1469932 (VCV001469932.5), dbSNP rs1372817258, ClinGen allele CA388610594.

ClinVar aggregate classification (germline): Uncertain significance (1 of 4 stars; one submission).

Conditions:
DNA ligase IV deficiency. Identifiers: Orphanet 99812, MedGen C1847827, MONDO:0011686, OMIM 606593.

Allele frequency attached by ClinVar (database versions not stated): gnomAD exomes below 0.00001; TOPMed below 0.00001.

Submission:

Labcorp Genetics (formerly Invitae), Labcorp
Classification: Uncertain significance for DNA ligase IV deficiency. Last evaluated: 2021-08-31. Review status: criteria provided, single submitter. Criteria: Invitae Variant Classification Sherloc (09022015). Collection method: clinical testing. Allele origin: germline.
Comment: This sequence change replaces alanine with glycine at codon 873 of the LIG4 protein (p.Ala873Gly). The alanine residue is weakly conserved and there is a small physicochemical difference between alanine and glycine. This variant is not present in population databases (ExAC no frequency). This variant has not been reported in the literature in individuals affected with LIG4-related conditions. Algorithms developed to predict the effect of missense changes on protein structure and function (SIFT, PolyPhen-2, Align-GVGD) all suggest that this variant is likely to be tolerated. In summary, the available evidence is currently insufficient to determine the role of this variant in disease. Therefore, it has been classified as a Variant of Uncertain Significance.